The following is an entry in ClinVar:

NM_025114.4(CEP290):c.3704A>G (p.Asn1235Ser)

Gene: CEP290 (centrosomal protein 290; minus strand). Cytogenetic location: 12q21.32.
Variant type: single nucleotide variant.
Coding change: c.3704A>G on transcript NM_025114.4 (MANE Select); coding-DNA position 3704, A replaced by G.
Protein change: p.Asn1235Ser; replaces asparagine 1235 with serine.
Molecular consequence: missense variant.
Genome position (GRCh38, 1-based): chr12:88,089,357, T>C on the plus strand (A>G on the coding strand, the complement: CEP290 is on the minus strand). VCF-style: chr12-88089357-T-C. GRCh37 (hg19) VCF-style: chr12-88483134-T-C.
Other names: short protein forms N1235S.
Identifiers: ClinVar variation 1502818 (VCV001502818.7), dbSNP rs1344828907, ClinGen allele CA386000887.

ClinVar aggregate classification (germline): Uncertain significance (1 of 4 stars; one submission).

Conditions:
Nephronophthisis. Also called: Juvenile Nephronophthisis. Identifiers: Orphanet 655, MedGen C0687120, MONDO:0019005, HP:0000090.
Meckel-Gruber syndrome. Also called: DYSENCEPHALIA SPLANCHNOCYSTICA; GRUBER SYNDROME; Dysencephalia splachnocystica. Identifiers: Orphanet 564, MedGen C0265215, MONDO:0018921.
Joubert syndrome. Also called: CEREBELLOPARENCHYMAL DISORDER IV; JOUBERT-BOLTSHAUSER SYNDROME; Familial aplasia of the vermis. Identifiers: Orphanet 475, MedGen C5979921, MONDO:0018772.

Allele frequency attached by ClinVar (database versions not stated): gnomAD exomes below 0.00001.
gnomAD v4.1: 1 of 1,614,008 alleles (0.000062%); highest among the groups gnomAD compares: East Asian, 0.0022%; no homozygotes.

Submission:

Labcorp Genetics (formerly Invitae), Labcorp
Classification: Uncertain significance for Joubert syndrome; Meckel-Gruber syndrome; Nephronophthisis. Last evaluated: 2021-07-14. Review status: criteria provided, single submitter. Criteria: Invitae Variant Classification Sherloc (09022015). Collection method: clinical testing. Allele origin: germline.
Comment: Algorithms developed to predict the effect of missense changes on protein structure and function (SIFT, PolyPhen-2, Align-GVGD) all suggest that this variant is likely to be tolerated, but these predictions have not been confirmed by published functional studies and their clinical significance is uncertain. This variant has not been reported in the literature in individuals with CEP290-related conditions. This variant is not present in population databases (ExAC no frequency). This sequence change replaces asparagine with serine at codon 1235 of the CEP290 protein (p.Asn1235Ser). The asparagine residue is moderately conserved and there is a small physicochemical difference between asparagine and serine. In summary, the available evidence is currently insufficient to determine the role of this variant in disease. Therefore, it has been classified as a Variant of Uncertain Significance.